The following is an entry in ClinVar:

NM_003072.5(SMARCA4):c.1124A>G (p.Gln375Arg)

Gene: SMARCA4 (SWI/SNF related BAF chromatin remodeling complex subunit ATPase 4; plus strand). Cytogenetic location: 19p13.2.
Variant type: single nucleotide variant.
Coding change: c.1124A>G on transcript NM_003072.5 (MANE Select); coding-DNA position 1124, A replaced by G.
Protein change: p.Gln375Arg; replaces glutamine 375 with arginine.
Molecular consequence: missense variant. On other transcripts: non-coding transcript variant (1).
Genome position (GRCh38, 1-based): chr19:10,989,322, A>G. VCF-style: chr19-10989322-A-G. GRCh37 (hg19) VCF-style: chr19-11099998-A-G.
Other names: c.1124A>G, p.Gln375Arg (NM_001128844.3, NM_001128845.2, NM_001128846.2 and 5 more transcripts); c.1124A>G (NM_001128849.1); short protein forms Q375R.
Identifiers: ClinVar variation 1060861 (VCV001060861.10), dbSNP rs2145846611, ClinGen allele CA404059356.
Genomic context (GRCh38, chr19:10,989,322, plus strand): 5'-AACTGGGTGCCCTGGCAACCCTCTCACCGCCTTTGCTCCTTGTCTCTGCTCCCAGGCTGC[A>G]GGCTCGCATCGCACACCGAATTCAGGAACTTGAAAACCTTCCCGGGTCCCTGGCCGGGGA-3'
Protein context (NP_003063.2, residues 365-385): EILQEREYRL[Gln375Arg]ARIAHRIQEL

ClinVar aggregate classification (germline): Uncertain significance. Review status: criteria provided, multiple submitters, no conflicts (2 of 4 stars). 2 submissions from 2 submitters: Uncertain significance (2). Last evaluated 2025-01-10.

Conditions:
Hereditary cancer-predisposing syndrome. Also called: Neoplastic Syndromes, Hereditary; Hereditary Cancer Syndrome; Hereditary neoplastic syndrome; Tumor predisposition. Identifiers: Orphanet 140162, MedGen C0027672, MeSH D009386, MONDO:0015356.
Rhabdoid tumor predisposition syndrome 2 (RTPS2). Identifiers: Orphanet 231108, Orphanet 69077, MedGen C2750074, MONDO:0013224, OMIM 613325.

Submissions (2):

Labcorp Genetics (formerly Invitae), Labcorp
Classification: Uncertain significance for Rhabdoid tumor predisposition syndrome 2. Last evaluated: 2025-01-10. Review status: criteria provided, single submitter. Criteria: Invitae Variant Classification Sherloc (09022015). Collection method: clinical testing. Allele origin: germline.
Comment: This sequence change replaces glutamine, which is neutral and polar, with arginine, which is basic and polar, at codon 375 of the SMARCA4 protein (p.Gln375Arg). This variant is not present in population databases (gnomAD no frequency). This variant has not been reported in the literature in individuals affected with SMARCA4-related conditions. ClinVar contains an entry for this variant (Variation ID: 1060861). Invitae Evidence Modeling of protein sequence and biophysical properties (such as structural, functional, and spatial information, amino acid conservation, physicochemical variation, residue mobility, and thermodynamic stability) indicates that this missense variant is not expected to disrupt SMARCA4 protein function with a negative predictive value of 95%. In summary, the available evidence is currently insufficient to determine the role of this variant in disease. Therefore, it has been classified as a Variant of Uncertain Significance.

Ambry Genetics
Classification: Uncertain significance for Hereditary cancer-predisposing syndrome. Last evaluated: 2024-08-10. Review status: criteria provided, single submitter. Criteria: Ambry Variant Classification Scheme 2023. Collection method: clinical testing. Allele origin: germline.
Comment: The p.Q375R variant (also known as c.1124A>G), located in coding exon 6 of the SMARCA4 gene, results from an A to G substitution at nucleotide position 1124. The glutamine at codon 375 is replaced by arginine, an amino acid with highly similar properties. This amino acid position is conserved. In addition, the in silico prediction for this alteration is inconclusive. Based on the available evidence, the clinical significance of this variant remains unclear.